The following is an entry in ClinVar:

ClinVar aggregate classification (germline): Uncertain significance. Review status: criteria provided, multiple submitters, no conflicts (2 of 4 stars). 2 submissions from 2 submitters: Uncertain significance (2). Last evaluated 2025-02-27.

Conditions:
Idiopathic Pulmonary Fibrosis. Also called: Idiopathic fibrosing alveolitis, chronic form; idiopathic fibrosing alveolitis. Identifiers: Orphanet 2032, MedGen C1800706, MeSH D054990, MONDO:0800504.
Dyskeratosis congenita, autosomal dominant 2. Identifiers: MedGen C3151443, MONDO:0013521, OMIM 613989.
Dyskeratosis congenita. Identifiers: Orphanet 1775, MedGen C0265965, MONDO:0015780.

Submissions (2):

Ambry Genetics
Classification: Uncertain significance for Dyskeratosis congenita. Last evaluated: 2025-02-27. Review status: criteria provided, single submitter. Criteria: Ambry Variant Classification Scheme 2023. Collection method: clinical testing. Allele origin: germline.
Comment: The p.E245D variant (also known as c.735G>T), located in coding exon 2 of the TERT gene, results from a G to T substitution at nucleotide position 735. The glutamic acid at codon 245 is replaced by aspartic acid, an amino acid with highly similar properties. This amino acid position is conserved. In addition, this alteration is predicted to be tolerated by in silico analysis. Based on the available evidence, the clinical significance of this variant remains unclear.

Labcorp Genetics (formerly Invitae), Labcorp
Classification: Uncertain significance for Dyskeratosis congenita, autosomal dominant 2; Idiopathic Pulmonary Fibrosis. Last evaluated: 2024-10-15. Review status: criteria provided, single submitter. Criteria: Invitae Variant Classification Sherloc (09022015). Collection method: clinical testing. Allele origin: germline.
Comment: This sequence change replaces glutamic acid, which is acidic and polar, with aspartic acid, which is acidic and polar, at codon 245 of the TERT protein (p.Glu245Asp). This variant is not present in population databases (gnomAD no frequency). This variant has not been reported in the literature in individuals affected with TERT-related conditions. ClinVar contains an entry for this variant (Variation ID: 2073989). Invitae Evidence Modeling of protein sequence and biophysical properties (such as structural, functional, and spatial information, amino acid conservation, physicochemical variation, residue mobility, and thermodynamic stability) indicates that this missense variant is not expected to disrupt TERT protein function with a negative predictive value of 95%. In summary, the available evidence is currently insufficient to determine the role of this variant in disease. Therefore, it has been classified as a Variant of Uncertain Significance.

NM_198253.3(TERT):c.735G>T (p.Glu245Asp)

Gene: TERT (telomerase reverse transcriptase; minus strand). Cytogenetic location: 5p15.33.
Variant type: single nucleotide variant.
Coding change: c.735G>T on transcript NM_198253.3 (MANE Select); coding-DNA position 735, G replaced by T.
Protein change: p.Glu245Asp; replaces glutamic acid 245 with aspartic acid.
Molecular consequence: missense variant. On other transcripts: non-coding transcript variant (2).
Genome position (GRCh38, 1-based): chr5:1,294,151, C>A on the plus strand (G>T on the coding strand, the complement: TERT is on the minus strand). VCF-style: chr5-1294151-C-A. GRCh37 (hg19) VCF-style: chr5-1294266-C-A.
Other names: c.735G>T, p.Glu245Asp (NM_001193376.3, NM_003219.1); short protein forms E245D.
Identifiers: ClinVar variation 2073989 (VCV002073989.4), dbSNP rs2478420990, ClinGen allele CA359056929.
Genomic context (GRCh38, chr5:1,294,151, plus strand): 5'-CGGTCCACGCGTCCTGCCCGGGTGGGCCCAGGACCCCTGCCCAACGGGCGTCCGCTCCGG[C>A]TCAGGGGCAGCGCCACGCCTGGGCCTCTTGGGCAACGGCAGACTTCGGCTGGCACTGCCC-3'
Protein context (NP_937983.2, residues 235-255): PKRPRRGAAP[Glu245Asp]PERTPVGQGS